The following is an entry in ClinVar:

ClinVar aggregate classification (germline): Uncertain significance (1 of 4 stars; one submission).

Conditions:
Hereditary cancer-predisposing syndrome. Also called: Neoplastic Syndromes, Hereditary; Tumor predisposition; Hereditary Cancer Syndrome; Hereditary neoplastic syndrome. Identifiers: Orphanet 140162, MedGen C0027672, MeSH D009386, MONDO:0015356.

gnomAD v4.1: 1 of 1,613,866 alleles (0.000062%); highest among the groups gnomAD compares: Non-Finnish European, 0.000085%; no homozygotes.

Submission:

Ambry Genetics
Classification: Uncertain significance for Hereditary cancer-predisposing syndrome. Last evaluated: 2026-03-12. Review status: criteria provided, single submitter. Criteria: Ambry Variant Classification Scheme 2023. Collection method: clinical testing. Allele origin: germline.
Comment: The p.C223Y variant (also known as c.668G>A), located in coding exon 6 of the EGFR gene, results from a G to A substitution at nucleotide position 668. The cysteine at codon 223 is replaced by tyrosine, an amino acid with highly dissimilar properties. This amino acid position is highly conserved in available vertebrate species. In addition, this alteration is predicted to be deleterious by in silico analysis. Based on the available evidence, the clinical significance of this variant remains unclear.

NM_005228.5(EGFR):c.668G>A (p.Cys223Tyr)

Gene: EGFR (epidermal growth factor receptor; plus strand). Cytogenetic location: 7p11.2.
Variant type: single nucleotide variant.
Coding change: c.668G>A on transcript NM_005228.5 (MANE Select); coding-DNA position 668, G replaced by A.
Protein change: p.Cys223Tyr; replaces cysteine 223 with tyrosine.
Molecular consequence: missense variant. On other transcripts: intron variant (1).
Genome position (GRCh38, 1-based): chr7:55,152,585, G>A. VCF-style: chr7-55152585-G-A. GRCh37 (hg19) VCF-style: chr7-55220278-G-A.
Other names: c.533G>A, p.Cys178Tyr (NM_001346897.2, NM_001346899.2); c.668G>A, p.Cys223Tyr (NM_001346898.2, NM_201282.2, NM_201283.2 and 1 more transcripts); c.509G>A, p.Cys170Tyr (NM_001346900.2); c.89-3245G>A (NM_001346941.2); short protein forms C223Y, C170Y, C178Y.
Identifiers: ClinVar variation 4826852 (VCV004826852.1).